The following is an entry in ClinVar:

NM_182746.3(MCM4):c.2464C>T (p.Gln822Ter)

Gene: MCM4 (minichromosome maintenance complex component 4; plus strand). Cytogenetic location: 8q11.21.
Variant type: single nucleotide variant.
Coding change: c.2464C>T on transcript NM_182746.3 (MANE Select); coding-DNA position 2464, C replaced by T.
Protein change: p.Gln822Ter; replaces glutamine 822 with a stop codon.
Molecular consequence: nonsense.
Genome position (GRCh38, 1-based): chr8:47,975,813, C>T. VCF-style: chr8-47975813-C-T. GRCh37 (hg19) VCF-style: chr8-48888373-C-T.
Other names: c.2464C>T, p.Gln822Ter (NM_005914.4); short protein forms Q822*.
Identifiers: ClinVar variation 3005628 (VCV003005628.3), dbSNP rs199530620, ClinGen allele CA176159000.

ClinVar aggregate classification (germline): Uncertain significance (1 of 4 stars; one submission).

Submission:

Labcorp Genetics (formerly Invitae), Labcorp
Classification: Uncertain significance. Last evaluated: 2023-05-05. Review status: criteria provided, single submitter. Criteria: Invitae Variant Classification Sherloc (09022015). Collection method: clinical testing. Allele origin: germline.
Comment: In summary, the available evidence is currently insufficient to determine the role of this variant in disease. Therefore, it has been classified as a Variant of Uncertain Significance. Experimental studies and prediction algorithms are not available or were not evaluated, and the functional significance of this variant is currently unknown. This variant has not been reported in the literature in individuals affected with MCM4-related conditions. This variant is not present in population databases (gnomAD no frequency). This sequence change creates a premature translational stop signal (p.Gln822*) in the MCM4 gene. While this is not anticipated to result in nonsense mediated decay, it is expected to disrupt the last 42 amino acid(s) of the MCM4 protein.